The following is an entry in ClinVar:

ClinVar aggregate classification (germline): Uncertain significance (1 of 4 stars; one submission).

Submission:

GeneDx
Classification: Uncertain significance. Last evaluated: 2021-04-07. Review status: criteria provided, single submitter. Criteria: GeneDx Variant Classification Process June 2021. Collection method: clinical testing. Allele origin: germline. Affected: yes.
Comment: Not observed in large population cohorts (Lek et al., 2016); In-silico analysis, which includes splice predictors and evolutionary conservation, is inconclusive as to whether the variant alters gene splicing. In the absence of RNA/functional studies, the actual effect of this sequence change is unknown.; Has not been previously published as pathogenic or benign to our knowledge

NM_012062.5(DNM1L):c.1675-10C>A

Gene: DNM1L (dynamin 1 like; plus strand). Cytogenetic location: 12p11.21.
Variant type: single nucleotide variant.
Coding change: c.1675-10C>A on transcript NM_012062.5 (MANE Select); 10 bases into the intron before coding-DNA position 1675, C replaced by A.
Molecular consequence: intron variant.
Genome position (GRCh38, 1-based): chr12:32,738,254, C>A. VCF-style: chr12-32738254-C-A. GRCh37 (hg19) VCF-style: chr12-32891188-C-A.
Other names: c.1714-10C>A (NM_001278464.2); c.1713+312C>A (NM_001278465.2); c.1635+1093C>A (NM_001330380.2); c.1066-10C>A (NM_001278466.2); c.1674+312C>A (NM_001278463.2); c.1597-10C>A (NM_012063.4); c.1596+1093C>A (NM_005690.5).
Identifiers: ClinVar variation 1314426 (VCV001314426.2), dbSNP rs984317316, ClinGen allele CA235200624.